The following is an entry in ClinVar:

ClinVar aggregate classification (germline): Uncertain significance. Review status: criteria provided, multiple submitters, no conflicts (2 of 4 stars). 3 submissions from 3 submitters: Uncertain significance (3). Last evaluated 2025-10-27.

Conditions:
Microcephaly, normal intelligence and immunodeficiency (NBS). Also called: BERLIN BREAKAGE SYNDROME; Immunodeficiency, microcephaly with normal intelligence; Ataxia telangiectasia variant V1; SEEMANOVA SYNDROME II; Nijmegen breakage syndrome; Microcephaly with normal intelligence immunodeficiency and lymphoreticular malignancies. Identifiers: Orphanet 647, MedGen C0398791, MONDO:0009623, OMIM 251260.
Hereditary cancer-predisposing syndrome. Also called: Tumor predisposition; Hereditary neoplastic syndrome; Neoplastic Syndromes, Hereditary; Hereditary Cancer Syndrome. Identifiers: Orphanet 140162, MedGen C0027672, MeSH D009386, MONDO:0015356.

Submissions (3):

Ambry Genetics
Classification: Uncertain significance for Hereditary cancer-predisposing syndrome. Last evaluated: 2025-10-27. Review status: criteria provided, single submitter. Criteria: Ambry Variant Classification Scheme 2023. Collection method: clinical testing. Allele origin: germline.
Comment: The p.E257V variant (also known as c.770A>T), located in coding exon 7 of the NBN gene, results from an A to T substitution at nucleotide position 770. The glutamic acid at codon 257 is replaced by valine, an amino acid with dissimilar properties. This amino acid position is conserved. In addition, this alteration is predicted to be tolerated by in silico analysis. Based on the available evidence, the clinical significance of this variant remains unclear.

GeneDx
Classification: Uncertain significance. Last evaluated: 2024-05-05. Review status: criteria provided, single submitter. Criteria: GeneDx Variant Classification Process June 2021. Collection method: clinical testing. Allele origin: germline. Affected: yes.
Comment: Not observed at significant frequency in large population cohorts (gnomAD); In silico analysis indicates that this missense variant does not alter protein structure/function; Has not been previously published as pathogenic or benign to our knowledge; This variant is associated with the following publications: (PMID: 24894818)

Labcorp Genetics (formerly Invitae), Labcorp
Classification: Uncertain significance for Microcephaly, normal intelligence and immunodeficiency. Last evaluated: 2021-08-30. Review status: criteria provided, single submitter. Criteria: Invitae Variant Classification Sherloc (09022015). Collection method: clinical testing. Allele origin: germline.
Comment: In summary, the available evidence is currently insufficient to determine the role of this variant in disease. Therefore, it has been classified as a Variant of Uncertain Significance. Algorithms developed to predict the effect of missense changes on protein structure and function (SIFT, PolyPhen-2, Align-GVGD) all suggest that this variant is likely to be tolerated. This sequence change replaces glutamic acid with valine at codon 257 of the NBN protein (p.Glu257Val). The glutamic acid residue is weakly conserved and there is a moderate physicochemical difference between glutamic acid and valine. This variant is not present in population databases (ExAC no frequency). This variant has not been reported in the literature in individuals affected with NBN-related conditions.

NM_002485.5(NBN):c.770A>T (p.Glu257Val)

Gene: NBN (nibrin; minus strand). Cytogenetic location: 8q21.3.
Variant type: single nucleotide variant.
Coding change: c.770A>T on transcript NM_002485.5 (MANE Select); coding-DNA position 770, A replaced by T.
Protein change: p.Glu257Val; replaces glutamic acid 257 with valine.
Molecular consequence: missense variant.
Genome position (GRCh38, 1-based): chr8:89,970,490, T>A on the plus strand (A>T on the coding strand, the complement: NBN is on the minus strand). VCF-style: chr8-89970490-T-A. GRCh37 (hg19) VCF-style: chr8-90982718-T-A.
Other names: c.524A>T, p.Glu175Val (NM_001024688.3); c.770A>T (NM_002485.4); short protein forms E257V, E175V.
Identifiers: ClinVar variation 1378619 (VCV001378619.8), dbSNP rs2129830212, ClinGen allele CA371658706.